The following is an entry in ClinVar:

NM_001349338.3(FOXP1):c.773G>A (p.Cys258Tyr)

Gene: FOXP1 (forkhead box P1; minus strand). Cytogenetic location: 3p13.
Variant type: single nucleotide variant.
Coding change: c.773G>A on transcript NM_001349338.3 (MANE Select); coding-DNA position 773, G replaced by A.
Protein change: p.Cys258Tyr; replaces cysteine 258 with tyrosine.
Molecular consequence: missense variant. On other transcripts: non-coding transcript variant (2).
Genome position (GRCh38, 1-based): chr3:71,041,424, C>T on the plus strand (G>A on the coding strand, the complement: FOXP1 is on the minus strand). VCF-style: chr3-71041424-C-T. GRCh37 (hg19) VCF-style: chr3-71090575-C-T.
Other names: c.773G>A, p.Cys258Tyr (NM_001244808.3, NM_001244810.2, NM_001244814.3 and 4 more transcripts); c.545G>A, p.Cys182Tyr (NM_001244812.3); c.473G>A, p.Cys158Tyr (NM_001244813.3, NM_001244815.2, NM_001349342.3 and 1 more transcripts); c.470G>A, p.Cys157Tyr (NM_001349337.2, NM_001349343.3, NM_001349344.3); c.770G>A, p.Cys257Tyr (NM_001349341.3); short protein forms C157Y, C158Y, C182Y, C257Y, C258Y.
Identifiers: ClinVar variation 1706393 (VCV001706393.2), dbSNP rs2106871212, ClinGen allele CA353562747.

ClinVar aggregate classification (germline): Uncertain significance (1 of 4 stars; one submission).

Allele frequency attached by ClinVar (database versions not stated): gnomAD exomes below 0.00001.

Submission:

GeneDx
Classification: Uncertain significance. Last evaluated: 2022-03-15. Review status: criteria provided, single submitter. Criteria: GeneDx Variant Classification Process June 2021. Collection method: clinical testing. Allele origin: germline. Affected: yes.
Comment: Not observed at significant frequency in large population cohorts (gnomAD); In silico analysis supports that this missense variant does not alter protein structure/function; Has not been previously published as pathogenic or benign to our knowledge